The following is an entry in ClinVar:

ClinVar aggregate classification (germline): Uncertain significance. Review status: criteria provided, multiple submitters, no conflicts (2 of 4 stars). 2 submissions from 2 submitters: Uncertain significance (2). Last evaluated 2024-07-02.

Conditions:
Inborn genetic diseases. Identifiers: MedGen C0950123, MeSH D030342.

Allele frequency attached by ClinVar (database versions not stated): gnomAD exomes below 0.00001.
gnomAD v4.1: 4 of 1,614,060 alleles (0.00025%); highest among the groups gnomAD compares: Non-Finnish European, 0.00034%; no homozygotes.

Submissions (2):

Ambry Genetics
Classification: Uncertain significance for Inborn genetic diseases. Last evaluated: 2024-07-02. Review status: criteria provided, single submitter. Criteria: Ambry Variant Classification Scheme 2023. Collection method: clinical testing. Allele origin: germline.

GeneDx
Classification: Uncertain significance. Last evaluated: 2021-07-14. Review status: criteria provided, single submitter. Criteria: GeneDx Variant Classification Process June 2021. Collection method: clinical testing. Allele origin: germline. Affected: yes.
Comment: Not observed at significant frequency in large population cohorts (Lek et al., 2016); In silico analysis supports that this missense variant does not alter protein structure/function; Has not been previously published as pathogenic or benign to our knowledge; This variant is associated with the following publications: (PMID: 27535533)

NM_015100.4(POGZ):c.1010T>C (p.Val337Ala)

Gene: POGZ (pogo transposable element derived with ZNF domain; minus strand). Cytogenetic location: 1q21.3.
Variant type: single nucleotide variant.
Coding change: c.1010T>C on transcript NM_015100.4 (MANE Select); coding-DNA position 1010, T replaced by C.
Protein change: p.Val337Ala; replaces valine 337 with alanine.
Molecular consequence: missense variant.
Genome position (GRCh38, 1-based): chr1:151,427,891, A>G on the plus strand (T>C on the coding strand, the complement: POGZ is on the minus strand). VCF-style: chr1-151427891-A-G. GRCh37 (hg19) VCF-style: chr1-151400367-A-G.
Other names: c.983T>C, p.Val328Ala (NM_001194937.2); c.824T>C, p.Val275Ala (NM_001194938.2); c.725T>C, p.Val242Ala (NM_145796.4); c.851T>C, p.Val284Ala (NM_207171.2); short protein forms V242A, V275A, V284A, V328A, V337A.
Identifiers: ClinVar variation 1302416 (VCV001302416.3), dbSNP rs2102293814, ClinGen allele CA341975760.